The following is an entry in ClinVar:

NM_001242896.3(DEPDC5):c.2062A>G (p.Thr688Ala)

Gene: DEPDC5 (DEP domain containing 5, GATOR1 subcomplex subunit; plus strand). Cytogenetic location: 22q12.3.
Variant type: single nucleotide variant.
Coding change: c.2062A>G on transcript NM_001242896.3 (MANE Select); coding-DNA position 2062, A replaced by G.
Protein change: p.Thr688Ala; replaces threonine 688 with alanine.
Molecular consequence: missense variant. On other transcripts: non-coding transcript variant (4), intron variant (3).
Genome position (GRCh38, 1-based): chr22:31,822,748, A>G. VCF-style: chr22-31822748-A-G. GRCh37 (hg19) VCF-style: chr22-32218734-A-G.
Other names: c.2062A>G, p.Thr688Ala (NM_001136029.4, NM_001363852.2, NM_001364318.2 and 3 more transcripts); c.1978A>G, p.Thr660Ala (NM_001369901.1, NM_001369902.1); c.1870+3523A>G (NM_001363854.2, NM_001242897.2, NM_001364319.2); short protein forms T688A, T660A.
Identifiers: ClinVar variation 3708502 (VCV003708502.2).

ClinVar aggregate classification (germline): Uncertain significance (1 of 4 stars; one submission).

Conditions:
Familial focal epilepsy with variable foci (FPEVF). Identifiers: Orphanet 98820, MedGen C1858477, MONDO:0020310.

gnomAD v4.1: 7 of 1,614,158 alleles (0.00043%); highest among the groups gnomAD compares: Middle Eastern, 0.017%; no homozygotes.

Submission:

Labcorp Genetics (formerly Invitae), Labcorp
Classification: Uncertain significance for Familial focal epilepsy with variable foci. Last evaluated: 2024-03-19. Review status: criteria provided, single submitter. Criteria: Invitae Variant Classification Sherloc (09022015). Collection method: clinical testing. Allele origin: germline.
Comment: This sequence change replaces threonine, which is neutral and polar, with alanine, which is neutral and non-polar, at codon 688 of the DEPDC5 protein (p.Thr688Ala). This variant is present in population databases (no rsID available, gnomAD 0.006%). This variant has not been reported in the literature in individuals affected with DEPDC5-related conditions. Experimental studies and prediction algorithms are not available or were not evaluated, and the functional significance of this variant is currently unknown. In summary, the available evidence is currently insufficient to determine the role of this variant in disease. Therefore, it has been classified as a Variant of Uncertain Significance.